The following is an entry in ClinVar:

NM_138694.4(PKHD1):c.10775A>G (p.Gln3592Arg)

Gene: PKHD1 (PKHD1 ciliary IPT domain containing fibrocystin/polyductin; minus strand). Cytogenetic location: 6p12.3.
Variant type: single nucleotide variant.
Coding change: c.10775A>G on transcript NM_138694.4 (MANE Select); coding-DNA position 10775, A replaced by G.
Protein change: p.Gln3592Arg; replaces glutamine 3592 with arginine.
Molecular consequence: missense variant.
Genome position (GRCh38, 1-based): chr6:51,659,351, T>C on the plus strand (A>G on the coding strand, the complement: PKHD1 is on the minus strand). VCF-style: chr6-51659351-T-C. GRCh37 (hg19) VCF-style: chr6-51524149-T-C.
Other names: short protein forms Q3592R.
Identifiers: ClinVar variation 1484699 (VCV001484699.7), dbSNP rs761871204, ClinGen allele CA3851017.

ClinVar aggregate classification (germline): Uncertain significance. Review status: criteria provided, multiple submitters, no conflicts (2 of 4 stars). 2 submissions from 2 submitters: Uncertain significance (2). Last evaluated 2024-03-20.

Conditions:
Polycystic kidney disease 4 (PKD4). Also called: POLYCYSTIC KIDNEY DISEASE 4 WITH OR WITHOUT POLYCYSTIC LIVER DISEASE; POLYCYSTIC KIDNEY AND HEPATIC DISEASE 1; POLYCYSTIC KIDNEY DISEASE, INFANTILE, TYPE I; PKD3; Autosomal Recessive Polycystic Kidney Disease – PKHD1. Identifiers: MedGen C4540575, MONDO:0033004, OMIM 263200.
Autosomal recessive polycystic kidney disease (ARPKD). Also called: AR polycystic kidney disease. Identifiers: Orphanet 731, Orphanet 8378, MedGen C0085548, MeSH D017044, MONDO:0009889.

Allele frequency attached by ClinVar (database versions not stated): ExAC 0.00001; gnomAD exomes 0.00003; TOPMed 0.00005; gnomAD 0.00006.
gnomAD v4.1: 20 of 1,613,790 alleles (0.0012%); highest among the groups gnomAD compares: Admixed American, 0.012%; no homozygotes.

Submissions (2):

Labcorp Genetics (formerly Invitae), Labcorp
Classification: Uncertain significance for Autosomal recessive polycystic kidney disease. Last evaluated: 2024-03-20. Review status: criteria provided, single submitter. Criteria: Invitae Variant Classification Sherloc (09022015). Collection method: clinical testing. Allele origin: germline.
Comment: This sequence change replaces glutamine, which is neutral and polar, with arginine, which is basic and polar, at codon 3592 of the PKHD1 protein (p.Gln3592Arg). This variant is present in population databases (rs761871204, gnomAD 0.01%). This variant has not been reported in the literature in individuals affected with PKHD1-related conditions. ClinVar contains an entry for this variant (Variation ID: 1484699). Advanced modeling of protein sequence and biophysical properties (such as structural, functional, and spatial information, amino acid conservation, physicochemical variation, residue mobility, and thermodynamic stability) performed at Invitae indicates that this missense variant is not expected to disrupt PKHD1 protein function with a negative predictive value of 95%. In summary, the available evidence is currently insufficient to determine the role of this variant in disease. Therefore, it has been classified as a Variant of Uncertain Significance.

Fulgent Genetics
Classification: Uncertain significance for Polycystic kidney disease 4. Last evaluated: 2022-04-13. Review status: criteria provided, single submitter. Criteria: ACMG Guidelines, 2015. Collection method: clinical testing. Allele origin: unknown.